The following is an entry in ClinVar:

NM_000051.4(ATM):c.554T>C (p.Val185Ala)

Gene: ATM (ATM serine/threonine kinase; plus strand). Cytogenetic location: 11q22.3.
Variant type: single nucleotide variant.
Coding change: c.554T>C on transcript NM_000051.4 (MANE Select); coding-DNA position 554, T replaced by C.
Protein change: p.Val185Ala; replaces valine 185 with alanine.
Molecular consequence: missense variant.
Genome position (GRCh38, 1-based): chr11:108,244,010, T>C. VCF-style: chr11-108244010-T-C. GRCh37 (hg19) VCF-style: chr11-108114737-T-C.
Other names: p.V185A:GTT>GCT; c.554T>C, p.Val185Ala (NM_001351834.2); short protein forms V185A.
Identifiers: ClinVar variation 181912 (VCV000181912.17), dbSNP rs730881335, ClinGen allele CA298120.

ClinVar aggregate classification (germline): Uncertain significance. Review status: criteria provided, multiple submitters, no conflicts (2 of 4 stars). 6 submissions from 6 submitters: Uncertain significance (5). 1 of the submissions does not count toward it. Last evaluated 2024-02-20.

Conditions:
Hereditary cancer-predisposing syndrome. Also called: Tumor predisposition; Hereditary Cancer Syndrome; Hereditary neoplastic syndrome; Neoplastic Syndromes, Hereditary. Identifiers: Orphanet 140162, MedGen C0027672, MeSH D009386, MONDO:0015356.
Familial cancer of breast. Also called: BREAST CANCER, FAMILIAL; hereditary breast carcinoma; Hereditary breast cancer. Identifiers: Orphanet 227535, MedGen C0346153, MONDO:0016419, OMIM 114480. Disease mechanism: loss of function.
Ataxia-telangiectasia syndrome (AT). Also called: LOUIS-BAR SYNDROME; Cerebello-oculocutaneous telangiectasia; Immunodeficiency with ataxia telangiectasia; ATAXIA-TELANGIECTASIA, COMPLEMENTATION GROUP A; ATAXIA-TELANGIECTASIA, FRESNO VARIANT; Ataxia-telangiectasia. Identifiers: Orphanet 100, MedGen C0004135, MONDO:0008840, OMIM 208900.

Allele frequency attached by ClinVar (database versions not stated): gnomAD exomes below 0.00001 and 0.00001; TOPMed below 0.00001; ExAC 0.00001; gnomAD 0.00001.
gnomAD v4.1: 2 of 1,612,804 alleles (0.00012%); highest among the groups gnomAD compares: Non-Finnish European, 0.00017%; no homozygotes.

Submissions (6):

Color Diagnostics, LLC DBA Color Health
Classification: Uncertain significance for Hereditary cancer-predisposing syndrome. Last evaluated: 2024-02-20. Review status: criteria provided, single submitter. Criteria: ACMG Guidelines, 2015. Collection method: clinical testing. Allele origin: germline.
Comment: This missense variant replaces valine with alanine at codon 185 of the ATM protein. Computational prediction suggests that this variant may not impact protein structure and function. To our knowledge, functional studies have not been reported for this variant. This variant has been reported in an individual affected with non-small cell lung cancer (PMID: 37097610). This variant has been identified in 2/249876 chromosomes in the general population by the Genome Aggregation Database (gnomAD). The available evidence is insufficient to determine the role of this variant in disease conclusively. Therefore, this variant is classified as a Variant of Uncertain Significance.

Baylor Genetics
Classification: Uncertain significance for Familial cancer of breast. Last evaluated: 2024-01-04. Review status: criteria provided, single submitter. Criteria: ACMG Guidelines, 2015. Collection method: clinical testing. Allele origin: unknown.

Labcorp Genetics (formerly Invitae), Labcorp
Classification: Uncertain significance for Ataxia-telangiectasia syndrome. Last evaluated: 2024-01-03. Review status: criteria provided, single submitter. Criteria: Invitae Variant Classification Sherloc (09022015). Collection method: clinical testing. Allele origin: germline.
Comment: This sequence change replaces valine, which is neutral and non-polar, with alanine, which is neutral and non-polar, at codon 185 of the ATM protein (p.Val185Ala). This variant is present in population databases (rs730881335, gnomAD 0.002%). This variant has not been reported in the literature in individuals affected with ATM-related conditions. ClinVar contains an entry for this variant (Variation ID: 181912). An algorithm developed to predict the effect of missense changes on protein structure and function (PolyPhen-2) suggests that this variant¬†is likely to be tolerated. In summary, the available evidence is currently insufficient to determine the role of this variant in disease. Therefore, it has been classified as a Variant of Uncertain Significance.

Ambry Genetics
Classification: Uncertain significance for Hereditary cancer-predisposing syndrome. Last evaluated: 2023-11-24. Review status: criteria provided, single submitter. Criteria: Ambry Variant Classification Scheme 2023. Collection method: clinical testing. Allele origin: germline.
Comment: The p.V185A variant (also known as c.554T>C), located in coding exon 5 of the ATM gene, results from a T to C substitution at nucleotide position 554. The valine at codon 185 is replaced by alanine, an amino acid with similar properties. This amino acid position is conserved. In addition, this alteration is predicted to be tolerated by in silico analysis. Since supporting evidence is limited at this time, the clinical significance of this alteration remains unclear.

GeneDx
Classification: Uncertain significance. Last evaluated: 2014-09-30. Review status: criteria provided, single submitter. Criteria: GeneDx Variant Classification (06012015). Collection method: clinical testing. Allele origin: germline. Affected: yes.
Comment: This variant is denoted ATM c.554T>C at the cDNA level, p.Val185Ala (V185A) at the protein level, and results in the change of a Valine to an Alanine (GTT>GCT). This variant has not, to our knowledge, been published in the literature as pathogenic or benign. ATM Val185Ala was not observed in approximately 6,500 individuals of European and African American ancestry in the NHLBI Exome Sequencing Project, indicating it is not a common benign variant in these populations. Since Valine and Alanine share similar properties, this is considered a conservative amino acid substitution. ATM Val185Ala occurs at a position that is well conserved across species and is not located in a known functional domain. In silico analyses are inconsistent regarding the effect this variant may have on protein structure and function. Based on currently available information, it is unclear whether ATM Val185Ala is pathogenic or benign. We consider it to be a variant of uncertain significance.

Natera, Inc.
Classification: Uncertain significance for Ataxia-telangiectasia. Last evaluated: 2019-10-28. Review status: no assertion criteria provided. Collection method: clinical testing. Allele origin: germline. Not counted in ClinVar's aggregate classification.

Literature cited by the submitters: PubMed 37097610 (cited by Color Diagnostics, LLC DBA Color Health).